The following is an entry in ClinVar:

ClinVar aggregate classification (germline): Uncertain significance (1 of 4 stars; one submission).

Submission:

CeGaT Center for Human Genetics Tuebingen
Classification: Uncertain significance. Last evaluated: 2023-10-01. Review status: criteria provided, single submitter. Criteria: CeGaT Center For Human Genetics Tuebingen Variant Classification Criteria Version 2. Collection method: clinical testing. Allele origin: germline. Affected: yes. Observed: 1 variant allele.
Comment: TRIO: PM2

NM_007118.4(TRIO):c.1411G>C (p.Val471Leu)

Gene: TRIO (trio Rho guanine nucleotide exchange factor; plus strand). Cytogenetic location: 5p15.2.
Variant type: single nucleotide variant.
Coding change: c.1411G>C on transcript NM_007118.4 (MANE Select); coding-DNA position 1411, G replaced by C.
Protein change: p.Val471Leu; replaces valine 471 with leucine.
Molecular consequence: missense variant. On other transcripts: non-coding transcript variant (1).
Genome position (GRCh38, 1-based): chr5:14,304,503, G>C. VCF-style: chr5-14304503-G-C. GRCh37 (hg19) VCF-style: chr5-14304612-G-C.
Other names: short protein forms V471L.
Identifiers: ClinVar variation 2655308 (VCV002655308.24), dbSNP rs2532222472, ClinGen allele CA359220711.